The following is an entry in ClinVar:

NM_000038.6(APC):c.5530C>T (p.His1844Tyr)

Gene: APC (APC regulator of Wnt signaling pathway; plus strand). Cytogenetic location: 5q22.2.
Variant type: single nucleotide variant.
Coding change: c.5530C>T on transcript NM_000038.6 (MANE Select); coding-DNA position 5530, C replaced by T.
Protein change: p.His1844Tyr; replaces histidine 1844 with tyrosine.
Molecular consequence: missense variant.
Genome position (GRCh38, 1-based): chr5:112,841,124, C>T. VCF-style: chr5-112841124-C-T. GRCh37 (hg19) VCF-style: chr5-112176821-C-T.
Other names: c.5530C>T, p.His1844Tyr (NM_001354895.2, NM_001127510.3); c.5584C>T, p.His1862Tyr (NM_001354896.2); c.5560C>T, p.His1854Tyr (NM_001354897.2); c.5476C>T, p.His1826Tyr (NM_001127511.3); c.5455C>T, p.His1819Tyr (NM_001354898.2); c.5446C>T, p.His1816Tyr (NM_001354899.2); c.5407C>T, p.His1803Tyr (NM_001354900.2); c.5353C>T, p.His1785Tyr (NM_001354901.2); and 5 more; short protein forms H1718Y, H1785Y, H1819Y, H1844Y, H1854Y, H1743Y, H1753Y, H1684Y.
Identifiers: ClinVar variation 923391 (VCV000923391.14), dbSNP rs1765973350, ClinGen allele CA16033430.

ClinVar aggregate classification (germline): Uncertain significance. Review status: criteria provided, multiple submitters, no conflicts (2 of 4 stars). 4 submissions from 4 submitters: Uncertain significance (4). Last evaluated 2025-05-19.

Conditions:
Classic or attenuated familial adenomatous polyposis. Identifiers: MedGen CN372698, MONDO:0021057.
Hereditary cancer-predisposing syndrome. Also called: Neoplastic Syndromes, Hereditary; Tumor predisposition; Hereditary Cancer Syndrome; Hereditary neoplastic syndrome. Identifiers: Orphanet 140162, MedGen C0027672, MeSH D009386, MONDO:0015356.
Familial adenomatous polyposis 1 (FAP1). Also called: FAMILIAL ADENOMATOUS POLYPOSIS 1, ATTENUATED; POLYPOSIS, ADENOMATOUS INTESTINAL. Identifiers: MedGen C2713442, MONDO:0021056, OMIM 175100. Disease mechanism: loss of function.

Allele frequency attached by ClinVar (database versions not stated): gnomAD exomes below 0.00001.
gnomAD v4.1: 1 of 1,612,690 alleles (0.000062%); highest among the groups gnomAD compares: Non-Finnish European, 0.000085%; no homozygotes.

Submissions (4):

Ambry Genetics
Classification: Uncertain significance for Hereditary cancer-predisposing syndrome. Last evaluated: 2025-05-19. Review status: criteria provided, single submitter. Criteria: Ambry Variant Classification Scheme 2023. Collection method: clinical testing. Allele origin: germline.
Comment: The p.H1844Y variant (also known as c.5530C>T), located in coding exon 15 of the APC gene, results from a C to T substitution at nucleotide position 5530. The histidine at codon 1844 is replaced by tyrosine, an amino acid with similar properties. This amino acid position is conserved. In addition, in silico predictors for this gene do not accurately predict pathogenicity. Based on the available evidence, the clinical significance of this variant remains unclear.

Labcorp Genetics (formerly Invitae), Labcorp
Classification: Uncertain significance for Familial adenomatous polyposis 1. Last evaluated: 2024-06-03. Review status: criteria provided, single submitter. Criteria: Invitae Variant Classification Sherloc (09022015). Collection method: clinical testing. Allele origin: germline.
Comment: This sequence change replaces histidine, which is basic and polar, with tyrosine, which is neutral and polar, at codon 1844 of the APC protein (p.His1844Tyr). This variant is not present in population databases (gnomAD no frequency). This variant has not been reported in the literature in individuals affected with APC-related conditions. ClinVar contains an entry for this variant (Variation ID: 923391). Advanced modeling of protein sequence and biophysical properties (such as structural, functional, and spatial information, amino acid conservation, physicochemical variation, residue mobility, and thermodynamic stability) performed at Invitae indicates that this missense variant is not expected to disrupt APC protein function with a negative predictive value of 95%. In summary, the available evidence is currently insufficient to determine the role of this variant in disease. Therefore, it has been classified as a Variant of Uncertain Significance.

All of Us Research Program, National Institutes of Health
Classification: Uncertain significance for Classic or attenuated familial adenomatous polyposis. Last evaluated: 2024-05-30. Review status: criteria provided, single submitter. Criteria: ACMG Guidelines, 2015. Collection method: clinical testing. Allele origin: germline. Inheritance: Autosomal dominant inheritance. Observed: 1 variant allele, 1 heterozygote.
Comment: This missense variant replaces histidine with tyrosine at codon 1844 of the APC protein. Computational prediction tool suggests that this variant may not impact protein structure and function (internally defined REVEL score threshold <=0.5, PMID: 27666373). Splice site prediction tools suggest that this variant may not impact RNA splicing. To our knowledge, functional studies have not been performed for this variant. This variant has not been reported in individuals affected with hereditary cancer in the literature. This variant has not been identified in the general population by the Genome Aggregation Database (gnomAD). The available evidence is insufficient to determine the role of this variant in disease conclusively. Therefore, this variant is classified as a Variant of Uncertain Significance.

This study involves interpretation of variants in research participants for the purpose of population health screening. Participant phenotype was not available at the time of variant classification. Additional details can be found in publication PMID: 35346344, PMCID: PMC8962531

Color Diagnostics, LLC DBA Color Health
Classification: Uncertain significance for Hereditary cancer-predisposing syndrome. Last evaluated: 2024-03-06. Review status: criteria provided, single submitter. Criteria: ACMG Guidelines, 2015. Collection method: clinical testing. Allele origin: germline.
Comment: This missense variant replaces histidine with tyrosine at codon 1844 of the APC protein. Computational prediction tool suggests that this variant may not impact protein structure and function (internally defined REVEL score threshold <=0.5, PMID: 27666373). Splice site prediction tools suggest that this variant may not impact RNA splicing. To our knowledge, functional studies have not been performed for this variant. This variant has not been reported in individuals affected with hereditary cancer in the literature. This variant has not been identified in the general population by the Genome Aggregation Database (gnomAD). The available evidence is insufficient to determine the role of this variant in disease conclusively. Therefore, this variant is classified as a Variant of Uncertain Significance.